The following is an entry in ClinVar:

NM_002582.4(PARN):c.866T>C (p.Met289Thr)

Gene: PARN (poly(A)-specific ribonuclease; minus strand). Cytogenetic location: 16p13.12.
Variant type: single nucleotide variant.
Coding change: c.866T>C on transcript NM_002582.4 (MANE Select); coding-DNA position 866, T replaced by C.
Protein change: p.Met289Thr; replaces methionine 289 with threonine.
Molecular consequence: missense variant.
Genome position (GRCh38, 1-based): chr16:14,593,353, A>G on the plus strand (T>C on the coding strand, the complement: PARN is on the minus strand). VCF-style: chr16-14593353-A-G. GRCh37 (hg19) VCF-style: chr16-14687210-A-G.
Other names: c.728T>C, p.Met243Thr (NM_001242992.2); c.683T>C, p.Met228Thr (NM_001134477.3); short protein forms M289T, M243T, M228T.
Identifiers: ClinVar variation 2938914 (VCV002938914.3), dbSNP rs369267769, ClinGen allele CA7912252.

ClinVar aggregate classification (germline): Uncertain significance (1 of 4 stars; one submission).

Conditions:
Dyskeratosis congenita, autosomal recessive 6 (DKCB6). Identifiers: MedGen C4225356, MONDO:0014600, OMIM 616353.
Pulmonary fibrosis and/or bone marrow failure, Telomere-related, 4. Also called: PULMONARY FIBROSIS AND/OR BONE MARROW FAILURE SYNDROME, TELOMERE-RELATED, 4. Identifiers: Orphanet 2032, MedGen C4225347, MONDO:0014612, OMIM 616371.

Allele frequency attached by ClinVar (database versions not stated): ESP Exome Variant Server 0.00008; ExAC 0.00001.

Submission:

Labcorp Genetics (formerly Invitae), Labcorp
Classification: Uncertain significance for Dyskeratosis congenita, autosomal recessive 6; Pulmonary fibrosis and/or bone marrow failure, Telomere-related, 4. Last evaluated: 2026-01-28. Review status: criteria provided, single submitter. Criteria: Invitae Variant Classification Sherloc (09022015). Collection method: clinical testing. Allele origin: germline.
Comment: This sequence change replaces methionine, which is neutral and non-polar, with threonine, which is neutral and polar, at codon 289 of the PARN protein (p.Met289Thr). This variant is present in population databases (rs369267769, gnomAD 0.007%). This variant has not been reported in the literature in individuals affected with PARN-related conditions. ClinVar contains an entry for this variant (Variation ID: 2938914). Invitae Evidence Modeling of protein sequence and biophysical properties (such as structural, functional, and spatial information, amino acid conservation, physicochemical variation, residue mobility, and thermodynamic stability) indicates that this missense variant is expected to disrupt PARN protein function with a positive predictive value of 80%. In summary, the available evidence is currently insufficient to determine the role of this variant in disease. Therefore, it has been classified as a Variant of Uncertain Significance.